The following is an entry in ClinVar:

ClinVar aggregate classification (germline): Uncertain significance (1 of 4 stars; one submission).

Allele frequency attached by ClinVar (database versions not stated): ExAC 0.00002; gnomAD 0.00003; TOPMed 0.00003.

Submission:

Labcorp Genetics (formerly Invitae), Labcorp
Classification: Uncertain significance. Last evaluated: 2022-08-16. Review status: criteria provided, single submitter. Criteria: Invitae Variant Classification Sherloc (09022015). Collection method: clinical testing. Allele origin: germline.
Comment: In summary, the available evidence is currently insufficient to determine the role of this variant in disease. Therefore, it has been classified as a Variant of Uncertain Significance. Algorithms developed to predict the effect of missense changes on protein structure and function (SIFT, PolyPhen-2, Align-GVGD) all suggest that this variant is likely to be tolerated. This variant has not been reported in the literature in individuals affected with GTPBP2-related conditions. This variant is present in population databases (rs774482572, gnomAD 0.03%). This sequence change replaces aspartic acid, which is acidic and polar, with asparagine, which is neutral and polar, at codon 151 of the GTPBP2 protein (p.Asp151Asn).

NM_019096.5(GTPBP2):c.451G>A (p.Asp151Asn)

Gene: GTPBP2 (GTP binding protein 2; minus strand). Cytogenetic location: 6p21.1.
Variant type: single nucleotide variant.
Coding change: c.451G>A on transcript NM_019096.5 (MANE Select); coding-DNA position 451, G replaced by A.
Protein change: p.Asp151Asn; replaces aspartic acid 151 with asparagine.
Molecular consequence: missense variant.
Genome position (GRCh38, 1-based): chr6:43,625,812, C>T on the plus strand (G>A on the coding strand, the complement: GTPBP2 is on the minus strand). VCF-style: chr6-43625812-C-T. GRCh37 (hg19) VCF-style: chr6-43593549-C-T.
Other names: c.187G>A, p.Asp63Asn (NM_001286216.2); short protein forms D151N, D63N.
Identifiers: ClinVar variation 2022946 (VCV002022946.3), dbSNP rs774482572, ClinGen allele CA3827784.